The following is an entry in ClinVar:

NM_000138.5(FBN1):c.8456dup (p.Lys2820fs)

Gene: FBN1 (fibrillin 1; minus strand). Cytogenetic location: 15q21.1.
Variant type: Duplication.
Coding change: c.8456dup on transcript NM_000138.5 (MANE Select); coding-DNA position 8456, one base duplicated (A; older notation c.8456dupA).
Protein change: p.Lys2820fs; shifts the reading frame from lysine 2820.
Molecular consequence: frameshift variant.
Genome position (GRCh38, 1-based): chr15:48,411,150, T duplicated on the plus strand (A on the coding strand, the reverse complement: FBN1 is on the minus strand); the first of 3 consecutive T bases (chr15:48,411,150-48,411,152); duplicating any one gives the same sequence. VCF-style (leftmost placement, unchanged base first): chr15-48411149-C-CT. GRCh37 (hg19) VCF-style: chr15-48703346-C-CT.
Other names: short protein forms K2820fs.
Identifiers: ClinVar variation 1076397 (VCV001076397.9), dbSNP rs2141209783, ClinGen allele CA2499222954.

ClinVar aggregate classification (germline): Pathogenic (1 of 4 stars; one submission).

Conditions:
Familial thoracic aortic aneurysm and aortic dissection (TAAD). Also called: Thoracic aortic aneurysms and dissections. Identifiers: Orphanet 91387, MedGen C4707243, MONDO:0019625.
Marfan syndrome (MFS). Also called: Marfan syndrome type 1; Marfan's syndrome; Marfan syndrome, classic; MARFAN SYNDROME, TYPE I; FBN1-Related Marfan Syndrome. Identifiers: Orphanet 284963, Orphanet 558, MedGen C0024796, MONDO:0007947, OMIM 154700.

Submission:

Labcorp Genetics (formerly Invitae), Labcorp
Classification: Pathogenic for Marfan syndrome; Familial thoracic aortic aneurysm and aortic dissection. Last evaluated: 2020-08-28. Review status: criteria provided, single submitter. Criteria: Invitae Variant Classification Sherloc (09022015). Collection method: clinical testing. Allele origin: germline.
Comment: For these reasons, this variant has been classified as Pathogenic. This variant disrupts the C-terminus of the FBN1 protein. Other variant(s) that disrupt this region (p.Leu2854Profs*9) have been determined to be pathogenic (Invitae). This suggests that variants that disrupt this region of the protein are likely to be causative of disease. This variant has not been reported in the literature in individuals with FBN1-related conditions. This variant is not present in population databases (ExAC no frequency). This sequence change results in a premature translational stop signal in the FBN1 gene (p.Lys2820Glufs*14). While this is not anticipated to result in nonsense mediated decay, it is expected to disrupt the last 52 amino acids of the FBN1 protein.